The following is an entry in ClinVar:

ClinVar aggregate classification (germline): Likely pathogenic (1 of 4 stars; one submission).

Submission:

Labcorp Genetics (formerly Invitae), Labcorp
Classification: Likely pathogenic. Last evaluated: 2022-06-23. Review status: criteria provided, single submitter. Criteria: Invitae Variant Classification Sherloc (09022015). Collection method: clinical testing. Allele origin: germline.
Comment: Experimental studies have shown that this missense change affects ATP2A2 function (PMID: 16766529). In summary, the currently available evidence indicates that the variant is pathogenic, but additional data are needed to prove that conclusively. Therefore, this variant has been classified as Likely Pathogenic. Advanced modeling of protein sequence and biophysical properties (such as structural, functional, and spatial information, amino acid conservation, physicochemical variation, residue mobility, and thermodynamic stability) performed at Invitae indicates that this missense variant is expected to disrupt ATP2A2 protein function. This missense change has been observed in individuals with ATP2A2-related conditions (PMID: 11168576; Invitae). This variant is not present in population databases (gnomAD no frequency). This sequence change replaces asparagine, which is neutral and polar, with isoleucine, which is neutral and non-polar, at codon 809 of the ATP2A2 protein (p.Asn809Ile).

Literature cited by the submitters: PubMed 16766529; PubMed 11168576.

NM_170665.4(ATP2A2):c.2426A>T (p.Asn809Ile)

Gene: ATP2A2 (ATPase sarcoplasmic/endoplasmic reticulum Ca2+ transporting 2; plus strand). Cytogenetic location: 12q24.11.
Variant type: single nucleotide variant.
Coding change: c.2426A>T on transcript NM_170665.4 (MANE Select); coding-DNA position 2426, A replaced by T.
Protein change: p.Asn809Ile; replaces asparagine 809 with isoleucine.
Molecular consequence: missense variant.
Genome position (GRCh38, 1-based): chr12:110,343,339, A>T. VCF-style: chr12-110343339-A-T. GRCh37 (hg19) VCF-style: chr12-110781144-A-T.
Other names: c.2321A>T, p.Asn774Ile (NM_001413013.1); c.2426A>T, p.Asn809Ile (NM_001413014.1, NM_001681.4); c.2051A>T, p.Asn684Ile (NM_001413015.1); short protein forms N684I, N774I, N809I.
Identifiers: ClinVar variation 2137438 (VCV002137438.4), dbSNP rs2548564104, ClinGen allele CA386676128.
Genomic context (GRCh38, chr12:110,343,339, plus strand): 5'-TTCAGCTGCTCTGGGTCAATCTGGTGACAGATGGCCTGCCTGCCACTGCACTGGGGTTCA[A>T]CCCTCCTGATCTGGACATCATGAATAAACCTCCCCGGAACCCAAAGGAACCATTGATCAG-3'
Protein context (NP_733765.1, residues 799-819): DGLPATALGF[Asn809Ile]PPDLDIMNKP